The following is an entry in ClinVar:

NM_000498.3(CYP11B2):c.504C>T (p.Phe168=)

Genes: CYP11B2 (cytochrome P450 family 11 subfamily B member 2; minus strand), LOC106799834 (CYP11B2 recombination region; plus strand). Cytogenetic location: 8q24.3.
Variant type: single nucleotide variant.
Coding change: c.504C>T on transcript NM_000498.3 (MANE Select); coding-DNA position 504, C replaced by T.
Protein change: p.Phe168=; no amino-acid change (phenylalanine 168 retained).
Molecular consequence: synonymous variant.
Genome position (GRCh38, 1-based): chr8:142,915,137, G>A on the plus strand (C>T on the coding strand, the complement: CYP11B2 is on the minus strand). VCF-style: chr8-142915137-G-A. GRCh37 (hg19) VCF-style: chr8-143996553-G-A.
Other names: p.Phe168=.
Identifiers: ClinVar variation 362221 (VCV000362221.30), dbSNP rs4546, ClinGen allele CA4906187.
Genomic context (GRCh38, chr8:142,915,137, plus strand): 5'-GACGTCCAGGGTCAGGCTCCCCCGGGCGTTCTGCAGCACCTTCTTCTTCAGGGCCTGGGA[G>A]AAGTCCCTGGCCACTGCATCCACCATCGGGAGGAACCTCTGCACGGCCTTGGGCGACAGC-3'
Protein context (NP_000489.3, residues 158-178): LPMVDAVARD[Phe168=]SQALKKKVLQ

ClinVar aggregate classification (germline): Benign. Review status: criteria provided, multiple submitters, no conflicts (2 of 4 stars). 15 submissions from 12 submitters: Benign (12). 3 of the submissions do not count toward it. Last evaluated 2026-06-02.

Conditions:
Corticosterone methyl oxidase type II deficiency.
Corticosterone 18-monooxygenase deficiency. Also called: ALDOSTERONE DEFICIENCY DUE TO DEFECT IN STEROID 18-HYDROXYLASE; ALDOSTERONE DEFICIENCY I; CMO I DEFICIENCY; STEROID 18-HYDROXYLASE DEFICIENCY; 18 Hydroxylase deficiency; Aldosterone deficiency due to defect in 18 hydroxylase. Identifiers: Orphanet 427, MedGen C0268293, MONDO:0008751, OMIM 203400. Disease mechanism: loss of function.
Corticosterone methyloxidase type 2 deficiency. Also called: 18-OXIDASE DEFICIENCY; ALDOSTERONE DEFICIENCY DUE TO DEFICIENCY OF STEROID 18-OXIDASE; ALDOSTERONE DEFICIENCY II; CMO II DEFICIENCY; STEROID 18-OXIDASE DEFICIENCY. Identifiers: Orphanet 427, MedGen C3463917, MONDO:0012524, OMIM 610600. Disease mechanism: loss of function.
Glucocorticoid-remediable aldosteronism. Also called: Hyperaldosteronism, familial, type I; ACTH-DEPENDENT HYPERALDOSTERONISM SYNDROME; ALDOSTERONISM, SENSITIVE TO DEXAMETHASONE; FH I; GLUCOCORTICOID-SUPPRESSIBLE HYPERALDOSTERONISM. Identifiers: Orphanet 403, MedGen C3838731, MONDO:0007080, OMIM 103900.

Allele frequency attached by ClinVar (database versions not stated): 1000 Genomes Project 30x 0.34182; 1000 Genomes Project 0.34545; TOPMed 0.37497; ESP Exome Variant Server 0.37548; gnomAD 0.38199 and 0.38383; ExAC 0.41894; gnomAD exomes 0.42421.

Submissions (15):

Women's Health and Genetics/Laboratory Corporation of America, LabCorp
Classification: Benign. Last evaluated: 2026-06-02. Review status: criteria provided, single submitter. Criteria: LabCorp Variant Classification Summary - May 2015. Collection method: clinical testing. Allele origin: germline.

Labcorp Genetics (formerly Invitae), Labcorp
Classification: Benign. Last evaluated: 2026-02-04. Review status: criteria provided, single submitter. Criteria: Invitae Variant Classification Sherloc (09022015). Collection method: clinical testing. Allele origin: germline.

Blueprint Genetics
Classification: Benign. Last evaluated: 2024-11-27. Review status: criteria provided, single submitter. Criteria: ACMG Guidelines, 2015. Collection method: clinical testing. Allele origin: germline.

Mayo Clinic Laboratories, Mayo Clinic
Classification: Benign. Last evaluated: 2022-03-09. Review status: criteria provided, single submitter. Criteria: ACMG Guidelines, 2015. Collection method: clinical testing. Allele origin: germline. Observed: 110 variant alleles.

GeneDx
Classification: Benign. Last evaluated: 2021-08-02. Review status: criteria provided, single submitter. Criteria: GeneDx Variant Classification Process June 2021. Collection method: clinical testing. Allele origin: germline. Affected: yes.

Genome-Nilou Lab
Classification: Benign for Corticosterone 18-monooxygenase deficiency. Last evaluated: 2021-07-01. Review status: criteria provided, single submitter. Criteria: ACMG Guidelines, 2015. Collection method: clinical testing. Allele origin: germline. Affected: no.

Genome-Nilou Lab
Classification: Benign for Corticosterone methyloxidase type 2 deficiency. Last evaluated: 2021-07-01. Review status: criteria provided, single submitter. Criteria: ACMG Guidelines, 2015. Collection method: clinical testing. Allele origin: germline. Affected: no.

Illumina Laboratory Services, Illumina
Classification: Benign for Corticosterone 18-monooxygenase deficiency. Last evaluated: 2018-01-13. Review status: criteria provided, single submitter. Criteria: ICSL Variant Classification Criteria 13 December 2019. Collection method: clinical testing. Allele origin: germline.
Comment: This variant was observed in the ICSL laboratory as part of a predisposition screen in an ostensibly healthy population. It had not been previously curated by ICSL or reported in the Human Gene Mutation Database (HGMD: prior to June 1st, 2018), and was therefore a candidate for classification through an automated scoring system. Utilizing variant allele frequency, disease prevalence and penetrance estimates, and inheritance mode, an automated score was calculated to assess if this variant is too frequent to cause the disease. Based on the score and internal cut-off values, a variant classified as benign is not then subjected to further curation. The score for this variant resulted in a classification of benign for this disease.

Illumina Laboratory Services, Illumina
Classification: Benign for Corticosterone methyloxidase type 2 deficiency. Last evaluated: 2018-01-13. Review status: criteria provided, single submitter. Criteria: ICSL Variant Classification Criteria 13 December 2019. Collection method: clinical testing. Allele origin: germline.
Comment: the same text as in the submission from Illumina Laboratory Services, Illumina above.

Illumina Laboratory Services, Illumina
Classification: Benign for Hyperaldosteronism, familial, type I. Last evaluated: 2018-01-13. Review status: criteria provided, single submitter. Criteria: ICSL Variant Classification Criteria 13 December 2019. Collection method: clinical testing. Allele origin: germline.
Comment: the same text as in the submission from Illumina Laboratory Services, Illumina above.

Laboratory for Molecular Medicine, Mass General Brigham Personalized Medicine
Classification: Benign. Last evaluated: 2016-03-21. Review status: criteria provided, single submitter. Criteria: LMM Criteria. Collection method: clinical testing. Allele origin: germline. Observed: 1 variant allele.
Comment: p.Phe168Phe in exon 3 of CYP11B2: This variant is not expected to have clinical significance because it does not alter an amino acid residue, is not located wit hin the splice consensus sequence, and has been identified in 49.56% (3052/6158) of Finnish chromosomes by the Exome Aggregation Consortium (ExAC; dbSNP rs4546).

Breakthrough Genomics
Classification: Benign. Review status: criteria provided, single submitter. Criteria: ACMG Guidelines, 2015. Collection method: not provided. Allele origin: germline. Inheritance: Autosomal recessive inheritance. Affected: yes.

Natera, Inc.
Classification: Benign for Corticosterone methyl oxidase type II deficiency. Last evaluated: 2020-09-16. Review status: no assertion criteria provided. Collection method: clinical testing. Allele origin: germline. Not counted in ClinVar's aggregate classification.

Diagnostic Laboratory, Department of Genetics, University Medical Center Groningen
Classification: Benign. Review status: no assertion criteria provided. Collection method: clinical testing. Allele origin: germline. Affected: yes. Study: VKGL Data-share Consensus. Not counted in ClinVar's aggregate classification.

Joint Genome Diagnostic Labs from Nijmegen and Maastricht, Radboudumc and MUMC+
Classification: Benign. Review status: no assertion criteria provided. Collection method: clinical testing. Allele origin: germline. Affected: yes. Study: VKGL Data-share Consensus. Not counted in ClinVar's aggregate classification.